The following is an entry in ClinVar:

ClinVar aggregate classification (germline): Uncertain significance. Review status: criteria provided, multiple submitters, no conflicts (2 of 4 stars). 2 submissions from 2 submitters: Uncertain significance (2). Last evaluated 2024-05-14.

Conditions:
Inborn genetic diseases. Identifiers: MedGen C0950123, MeSH D030342.

Allele frequency attached by ClinVar (database versions not stated): gnomAD exomes below 0.00001 and 0.00001; TOPMed below 0.00001; ExAC 0.00001.
gnomAD v4.1: 6 of 1,602,322 alleles (0.00037%); highest among the groups gnomAD compares: Non-Finnish European, 0.00043%; no homozygotes.

Submissions (2):

Ambry Genetics
Classification: Uncertain significance for Inborn genetic diseases. Last evaluated: 2024-05-14. Review status: criteria provided, single submitter. Criteria: Ambry Variant Classification Scheme 2023. Collection method: clinical testing. Allele origin: germline.

Labcorp Genetics (formerly Invitae), Labcorp
Classification: Uncertain significance. Last evaluated: 2022-08-31. Review status: criteria provided, single submitter. Criteria: Invitae Variant Classification Sherloc (09022015). Collection method: clinical testing. Allele origin: germline.
Comment: This sequence change replaces glutamic acid, which is acidic and polar, with glycine, which is neutral and non-polar, at codon 419 of the GFAP protein (p.Glu419Gly). In summary, the available evidence is currently insufficient to determine the role of this variant in disease. Therefore, it has been classified as a Variant of Uncertain Significance. Algorithms developed to predict the effect of sequence changes on RNA splicing suggest that this variant may disrupt the consensus splice site. Algorithms developed to predict the effect of missense changes on protein structure and function are either unavailable or do not agree on the potential impact of this missense change (SIFT: "Deleterious"; PolyPhen-2: "Possibly Damaging"; Align-GVGD: "Class C0"). ClinVar contains an entry for this variant (Variation ID: 1438282). This variant has not been reported in the literature in individuals affected with GFAP-related conditions. This variant is present in population databases (rs746370529, gnomAD 0.004%).

NM_002055.5(GFAP):c.1256A>G (p.Glu419Gly)

Gene: GFAP (glial fibrillary acidic protein; minus strand). Cytogenetic location: 17q21.31.
Variant type: single nucleotide variant.
Coding change: c.1256A>G on transcript NM_002055.5 (MANE Select); coding-DNA position 1256, A replaced by G.
Protein change: p.Glu419Gly; replaces glutamic acid 419 with glycine.
Molecular consequence: missense variant.
Genome position (GRCh38, 1-based): chr17:44,908,065, T>C on the plus strand (A>G on the coding strand, the complement: GFAP is on the minus strand). VCF-style: chr17-44908065-T-C. GRCh37 (hg19) VCF-style: chr17-42985433-T-C.
Other names: c.1256A>G (NM_002055.4); c.1376A>G, p.Glu459Gly (NM_001363846.2); short protein forms E459G, E419G.
Identifiers: ClinVar variation 1438282 (VCV001438282.9), dbSNP rs746370529, ClinGen allele CA8608615.